The following is an entry in ClinVar:

ClinVar aggregate classification (germline): Pathogenic (1 of 4 stars; one submission).

Conditions:
Neurofibromatosis, type 1 (NF1). Also called: Peripheral type neurofibromatosis; VON RECKLINGHAUSEN DISEASE; NEUROFIBROMATOSIS, TYPE I, SOMATIC; Neurofibromatosis, type I. Identifiers: Orphanet 636, MedGen C0027831, MONDO:0018975, OMIM 162200. Disease mechanism: loss of function.

Submission:

Labcorp Genetics (formerly Invitae), Labcorp
Classification: Pathogenic for Neurofibromatosis, type 1. Last evaluated: 2023-04-07. Review status: criteria provided, single submitter. Criteria: Invitae Variant Classification Sherloc (09022015). Collection method: clinical testing. Allele origin: germline.
Comment: For these reasons, this variant has been classified as Pathogenic. ClinVar contains an entry for this variant (Variation ID: 2137952). This variant has not been reported in the literature in individuals affected with NF1-related conditions. This variant is not present in population databases (gnomAD no frequency). This sequence change creates a premature translational stop signal (p.Leu269Tyrfs*12) in the NF1 gene. It is expected to result in an absent or disrupted protein product. Loss-of-function variants in NF1 are known to be pathogenic (PMID: 10712197, 23913538).

Literature cited by the submitters: PubMed 10712197; PubMed 23913538.

NM_001042492.3(NF1):c.804del (p.Leu269fs)

Gene: NF1 (neurofibromin 1; plus strand). Cytogenetic location: 17q11.2.
Variant type: Deletion.
Coding change: c.804del on transcript NM_001042492.3 (MANE Select); coding-DNA position 804, one base deleted (A; older notation c.804delA).
Protein change: p.Leu269fs; shifts the reading frame from leucine 269.
Molecular consequence: frameshift variant.
Genome position (GRCh38, 1-based): chr17:31,182,581, A deleted. VCF-style (leftmost placement, unchanged base first): chr17-31182580-CA-C. GRCh37 (hg19) VCF-style: chr17-29509598-CA-C.
Other names: c.804delA, p.Leu269Tyrfs (NM_000267.4); c.804del, p.Leu269fs (NM_001128147.3); short protein forms L269fs.
Identifiers: ClinVar variation 2137952 (VCV002137952.4), dbSNP rs2544753646, ClinGen allele CA2580093212.
Genomic context (GRCh38, chr17:31,182,580, plus strand): 5'-AGCTATTTGACTTGGTGGATGGTTTTGCTGAAAGCACCAAACGTAAAGCAGCAGTTTGGC[CA>C]CTACAAATCATTCTCCTTATCTTGTGTCCAGAAATAATCCAGGATATATCCAAAGACGTG-3'